The following is an entry in ClinVar:

NM_001384732.1(CPLANE1):c.3290-174C>A

Gene: CPLANE1 (ciliogenesis and planar polarity effector complex subunit 1; minus strand). Cytogenetic location: 5p13.2.
Variant type: single nucleotide variant.
Coding change: c.3290-174C>A on transcript NM_001384732.1 (MANE Select); 174 bases into the intron before coding-DNA position 3290, C replaced by A.
Molecular consequence: intron variant.
Genome position (GRCh38, 1-based): chr5:37,201,982, G>T on the plus strand (C>A on the coding strand, the complement: CPLANE1 is on the minus strand). VCF-style: chr5-37201982-G-T. GRCh37 (hg19) VCF-style: chr5-37202084-G-T.
Other names: c.3290-174C>A (NM_023073.4).
Identifiers: ClinVar variation 680156 (VCV000680156.1), dbSNP rs79298055, ClinGen allele CA117079237.

ClinVar aggregate classification (germline): Benign (1 of 4 stars; one submission).

Allele frequency attached by ClinVar (database versions not stated): 1000 Genomes Project 0.10004; 1000 Genomes Project 30x 0.10181; TOPMed 0.10698; gnomAD 0.10816 and 0.10822.
gnomAD v4.1: 16,421 of 152,056 alleles (11%); highest among the groups gnomAD compares: Admixed American, 15%; 959 homozygotes.

Submission:

GeneDx
Classification: Benign. Last evaluated: 2018-06-19. Review status: criteria provided, single submitter. Criteria: GeneDx Variant Classification (06012015). Collection method: clinical testing. Allele origin: germline. Affected: yes.
Comment: This variant is considered likely benign or benign based on one or more of the following criteria: it is a conservative change, it occurs at a poorly conserved position in the protein, it is predicted to be benign by multiple in silico algorithms, and/or has population frequency not consistent with disease.